The following is an entry in ClinVar:

ClinVar aggregate classification (germline): Uncertain significance (1 of 4 stars; one submission).

Submission:

Labcorp Genetics (formerly Invitae), Labcorp
Classification: Uncertain significance. Last evaluated: 2024-03-12. Review status: criteria provided, single submitter. Criteria: Invitae Variant Classification Sherloc (09022015). Collection method: clinical testing. Allele origin: germline.
Comment: This sequence change replaces methionine, which is neutral and non-polar, with isoleucine, which is neutral and non-polar, at codon 28 of the ICOSLG protein (p.Met28Ile). This variant is not present in population databases (gnomAD no frequency). This variant has not been reported in the literature in individuals affected with ICOSLG-related conditions. ClinVar contains an entry for this variant (Variation ID: 1715906). Algorithms developed to predict the effect of missense changes on protein structure and function output the following: SIFT: "Not Available"; PolyPhen-2: "Benign"; Align-GVGD: "Not Available". The isoleucine amino acid residue is found in multiple mammalian species, which suggests that this missense change does not adversely affect protein function. In summary, the available evidence is currently insufficient to determine the role of this variant in disease. Therefore, it has been classified as a Variant of Uncertain Significance.

NM_015259.6(ICOSLG):c.84G>T (p.Met28Ile)

Gene: ICOSLG (inducible T cell costimulator ligand; minus strand). Cytogenetic location: 21q22.3.
Variant type: single nucleotide variant.
Coding change: c.84G>T on transcript NM_015259.6 (MANE Select); coding-DNA position 84, G replaced by T.
Protein change: p.Met28Ile; replaces methionine 28 with isoleucine.
Molecular consequence: missense variant. On other transcripts: initiator codon variant (1), intron variant (2).
Genome position (GRCh38, 1-based): chr21:44,237,189, C>A on the plus strand (G>T on the coding strand, the complement: ICOSLG is on the minus strand). VCF-style: chr21-44237189-C-A. GRCh37 (hg19) VCF-style: chr21-45657072-C-A.
Other names: c.84G>T, p.Met28Ile (NM_001283050.2, NM_001395918.1); c.3G>T, p.Met1Ile (NM_001365759.2); c.55+1259G>T (NM_001283051.2); c.-48-124G>T (NM_001283052.2); short protein forms M1I, M28I.
Identifiers: ClinVar variation 1715906 (VCV001715906.6), dbSNP rs781151621, ClinGen allele CA410616772.